The following is an entry in ClinVar:

Single allele

Genes: GJB6 (gap junction protein beta 6; minus strand), CRYL1 (crystallin lambda 1; minus strand). Cytogenetic location: 13q12.11.
Variant type: Deletion.
Identifiers: ClinVar variation 978790 (VCV000978790.2).

ClinVar aggregate classification (germline): Pathogenic (1 of 4 stars; one submission).

Conditions:
Nonsyndromic genetic hearing loss. Also called: Non-syndromic genetic deafness; Nonsyndromic hearing loss and deafness; Nonsyndromic genetic deafness. Identifiers: Orphanet 87884, MedGen C5680182, MONDO:0019497.

Submission:

INGEBI, INGEBI / CONICET
Classification: Pathogenic for Nonsyndromic hearing loss and deafness. Last evaluated: 2020-08-31. Review status: criteria provided, single submitter. Criteria: ClinGen HL ACMG Specifications v1. Collection method: clinical testing. Allele origin: germline. Inheritance: Autosomal recessive inheritance. Affected: yes. Observed: 5 variant alleles, 5 compound heterozygotes. Clinical features observed: Prelingual severe to profound bilateral hearing loss.
Comment: The deletion: del(GJB6-D13S1854) (g.20802727_21034768del) eliminates a 232-kb fragment including the first five exons of GJB6 and the last 4 exons of CRYL1 gene. It was demonstrated that CX26 and Cx30 can form heteromeric connexons and heterotypic gap-junction channels (PMID: 14681039). Besides, Gjb2+/- Gjb6+/tm1Kwi double heterozygous mice have moderate hearing loss and a significantly reduced endocochlear potential (PMID: 12917317, 28823936) In addition to this, functional studies in mice demonstrated that the Gjb6tm1Kwi mouse is not only a Gjb6 knockout but also decreases the transcription of the contiguous Gjb2 gene (PMID:19047647, 22098503). Furthermore, an independent Gjb6 knock-out strain that carries a complete deletion of the Gjb6 coding sequence, without inserted material, diminish the effect on GJB2 decrease expression (PMID:23303923 ). Therefore, these evidence support the existence of the regulatory element within some part of the deletion among with the digenic pattern mode of inheritance proposed. (PS3). This deletion is absent from Genome Aggregation Database and Database meeting PM2 rule. This variant was found to have a statistically higher prevalence in affected individuals over controls (PS4; PMID: 11807148). The del(GJB6-D13S1854) variant has been detected in trans with at least 4 pathogenic variants in GJB2 in hearing loss patients applying to PM3_VeryStrong rule (PMID: 15994881, 24158611). Therefore, this variant meets criteria to be classified as pathogenic for autosomal recessive non-syndromic hearing loss (PS3, PS4, PM3_S, PM2).

Literature cited by the submitters: PubMed 14681039; PubMed 12917317; PubMed 28823936; PubMed 19047647; PubMed 22098503; PubMed 23303923; PubMed 11807148; PubMed 15994881; PubMed 24158611.